The following is an entry in ClinVar:

ClinVar aggregate classification (germline): Uncertain significance (1 of 4 stars; one submission).

Allele frequency attached by ClinVar (database versions not stated): gnomAD exomes below 0.00001.
gnomAD v4.1: 1 of 1,613,664 alleles (0.000062%); highest among the groups gnomAD compares: African/African-American, 0.0013%; no homozygotes.

Submission:

Ambry Genetics
Classification: Uncertain significance. Last evaluated: 2025-09-22. Review status: criteria provided, single submitter. Criteria: Ambry Variant Classification Scheme 2023. Collection method: clinical testing. Allele origin: germline.
Comment: The p.Y303F variant (also known as c.908A>T), located in coding exon 2 of the EGLN1 gene, results from an A to T substitution at nucleotide position 908. The tyrosine at codon 303 is replaced by phenylalanine, an amino acid with highly similar properties. This amino acid position is highly conserved in available vertebrate species. In addition, the in silico prediction for this alteration is inconclusive. Since supporting evidence is limited at this time, the clinical significance of this alteration remains unclear.

NM_022051.3(EGLN1):c.908A>T (p.Tyr303Phe)

Gene: EGLN1 (egl-9 family hypoxia inducible factor 1; minus strand). Cytogenetic location: 1q42.2.
Variant type: single nucleotide variant.
Coding change: c.908A>T on transcript NM_022051.3 (MANE Select); coding-DNA position 908, A replaced by T.
Protein change: p.Tyr303Phe; replaces tyrosine 303 with phenylalanine.
Molecular consequence: missense variant.
Genome position (GRCh38, 1-based): chr1:231,374,083, T>A on the plus strand (A>T on the coding strand, the complement: EGLN1 is on the minus strand). VCF-style: chr1-231374083-T-A. GRCh37 (hg19) VCF-style: chr1-231509829-T-A.
Other names: c.908A>T, p.Tyr303Phe (NM_001377260.1, NM_001377261.1); short protein forms Y303F.
Identifiers: ClinVar variation 1765733 (VCV001765733.3), dbSNP rs2527237064, ClinGen allele CA345241682.
Genomic context (GRCh38, chr1:231,374,083, plus strand): 5'-CATCTTCCATCTCCATTTGGATTATCAACATGACGTACATAACCCGTTCCATTGCCCGGA[T>A]AACAAGCAACCATGGCCTGTAATAATGATAATAATGATTATTAAAGTCCATGTATAAATA-3'
Protein context (NP_071334.1, residues 293-313): NGRTKAMVAC[Tyr303Phe]PGNGTGYVRH